The following is an entry in ClinVar:

UGT1A1*36

Genes: UGT1A (UDP glucuronosyltransferase family 1 member A complex locus; plus strand), UGT1A1 (UDP glucuronosyltransferase family 1 member A1; plus strand), UGT1A10 (UDP glucuronosyltransferase family 1 member A10; plus strand), UGT1A3 (UDP glucuronosyltransferase family 1 member A3; plus strand), UGT1A4 (UDP glucuronosyltransferase family 1 member A4; plus strand) and 5 more. Cytogenetic location: 2q37.1.
Variant type: Microsatellite.
Molecular consequence: intron variant (on NM_019076.5).
Genome position: GRCh38 VCF-style: chr2-233760233-CAT-C. GRCh37 (hg19) VCF-style: chr2-234668879-CAT-C.
Other names: (TA)5TAA; NM_000463.2(UGT1A1):c.-53TA[6]; c.856-6800AT[6] (NM_019076.5, NM_019075.4, NM_021027.3 and 1 more transcripts); c.61-6800AT[6] (NM_205862.3); c.862-6800AT[6] (NM_001072.4); c.868-6800AT[6] (NM_019078.2, NM_007120.3, NM_019093.4).
Identifiers: ClinVar variation 549830 (VCV000549830.22), dbSNP rs3064744, ClinGen allele CA122071.

ClinVar aggregate classification (germline): Benign; drug response. Review status: criteria provided, multiple submitters, no conflicts (2 of 4 stars). 5 submissions from 5 submitters: Benign (3). 1 of the submissions does not count toward it. Last evaluated 2023-11-27.

Conditions:
UGT1A9-related disorder. Also called: UGT1A9-related condition.
Irinotecan response. Also called: Camptosar response. Identifiers: MedGen CN077989.

Submissions (5):

ARUP Laboratories, Molecular Genetics and Genomics, ARUP Laboratories
Classification: Benign. Last evaluated: 2023-11-27. Review status: criteria provided, single submitter. Criteria: ARUP Molecular Germline Variant Investigation Process 2024. Collection method: clinical testing. Allele origin: germline.

Labcorp Genetics (formerly Invitae), Labcorp
Classification: Benign. Last evaluated: 2020-10-19. Review status: criteria provided, single submitter. Criteria: Invitae Variant Classification Sherloc (09022015). Collection method: clinical testing. Allele origin: germline.

GeneDx
Classification: Benign. Last evaluated: 2018-07-15. Review status: criteria provided, single submitter. Criteria: GeneDx Variant Classification Process June 2021. Collection method: clinical testing. Allele origin: germline. Affected: yes.

Medical Genetics Summaries
Classification: drug response for Irinotecan response. Last evaluated: 2018-04-04. Review status: criteria provided, single submitter. Criteria: Medical Genetics Summaries: Irinotecan therapy and UGT1A1 genotype. Collection method: curation. Allele origin: germline. Affected: yes.
Comment: UGT1A1*36 is not associated with irinotecan toxicity. This variant is associated with increased promoter activity and a reduced risk of neonatal hyperbilirubinemia.

PreventionGenetics, part of Exact Sciences
Classification: Benign for UGT1A9-related condition. Last evaluated: 2022-07-11. Review status: no assertion criteria provided. Collection method: clinical testing. Allele origin: germline. Not counted in ClinVar's aggregate classification.
Comment: This variant is classified as benign based on ACMG/AMP sequence variant interpretation guidelines (Richards et al. 2015 PMID: 25741868, with internal and published modifications).